The following is an entry in ClinVar:

NM_000535.7(PMS2):c.2095G>C (p.Asp699His)

Gene: PMS2 (PMS1 homolog 2, mismatch repair system component; minus strand). Cytogenetic location: 7p22.1.
Variant type: single nucleotide variant.
Coding change: c.2095G>C on transcript NM_000535.7 (MANE Select); coding-DNA position 2095, G replaced by C.
Protein change: p.Asp699His; replaces aspartic acid 699 with histidine.
Molecular consequence: missense variant. On other transcripts: non-coding transcript variant (1).
Genome position (GRCh38, 1-based): chr7:5,982,903, C>G on the plus strand (G>C on the coding strand, the complement: PMS2 is on the minus strand). VCF-style: chr7-5982903-C-G. GRCh37 (hg19) VCF-style: chr7-6022534-C-G.
Other names: p.Asp699His; c.1786G>C, p.Asp596His (NM_001322015.2); c.1690G>C, p.Asp564His (NM_001322003.2, NM_001322004.2, NM_001322005.2 and 1 more transcripts); c.1939G>C, p.Asp647His (NM_001322006.2); c.1777G>C, p.Asp593His (NM_001322007.2, NM_001322008.2); c.1534G>C, p.Asp512His (NM_001322010.2); c.1162G>C, p.Asp388His (NM_001322011.2, NM_001322012.2); c.1522G>C, p.Asp508His (NM_001322013.2); and 1 more; short protein forms D699H, D512H, D388H, D596H, D647H, D564H, D508H, D593H.
Identifiers: ClinVar variation 140847 (VCV000140847.38), dbSNP rs587781317, ClinGen allele CA010800.

ClinVar aggregate classification (germline): Pathogenic/Likely pathogenic. Review status: criteria provided, multiple submitters, no conflicts (2 of 4 stars). 11 submissions from 11 submitters: Pathogenic (5); Likely pathogenic (5). 1 of the submissions does not count toward it. Last evaluated 2026-05-18.

Conditions:
Hereditary nonpolyposis colon cancer (HNPCC). Also called: Hereditary nonpolyposis colorectal cancer; Familial nonpolyposis colon cancer; Hereditary Nonpolyposis Colorectal Cancer Syndrome. Identifiers: Orphanet 443909, MedGen C1333990, MONDO:0018630. Disease mechanism: loss of function.
PMS2-related disorder. Also called: PMS2-related condition.
Hereditary nonpolyposis colorectal neoplasms. Identifiers: MedGen C0009405, MeSH D003123.
Hereditary cancer-predisposing syndrome. Also called: Neoplastic Syndromes, Hereditary; Hereditary Cancer Syndrome; Tumor predisposition; Hereditary neoplastic syndrome. Identifiers: Orphanet 140162, MedGen C0027672, MeSH D009386, MONDO:0015356.
Lynch syndrome 4 (LYNCH4). Also called: Colorectal cancer, hereditary nonpolyposis, type 4; Hereditary non-polyposis colorectal cancer, type 4. Identifiers: Orphanet 144, MedGen C1838333, MONDO:0013699, OMIM 614337. Disease mechanism: loss of function.

Allele frequency attached by ClinVar (database versions not stated): gnomAD exomes below 0.00001.
gnomAD v4.1: 1 of 1,599,462 alleles (0.000063%); highest among the groups gnomAD compares: Non-Finnish European, 0.000085%; no homozygotes.

Submissions 1 to 7 of 11:

Women's Health and Genetics/Laboratory Corporation of America, LabCorp
Classification: Pathogenic for Hereditary nonpolyposis colon cancer. Last evaluated: 2026-05-18. Review status: criteria provided, single submitter. Criteria: LabCorp Variant Classification Summary - May 2015. Collection method: clinical testing. Allele origin: germline.
Comment: Variant summary: PMS2 c.2095G>C (p.Asp699His) results in a non-conservative amino acid change located in the MutL, C-terminal, dimerisation of the encoded protein sequence. Algorithms developed to predict the effect of missense changes on protein structure and function all suggest that this variant is likely to be disruptive. The variant was absent in 221718 control chromosomes. c.2095G>C has been reported in the literature, including one patient whose tumors showed isolated loss of PMS2 by immunohistochemistry (Vaughn_2010), and in a child with constitutional mismatch repair deficiency who carried the variant in the homozygous state (Walter_2013). It has also been reported as a class 3 variant in an individual with MSI-high colorectal cancer and equivocal IHC analysis who underwent a comprehensive PMS2 analysis (example, Wang_2020). In addition, the variant has been reported in other patients being tested by various NGS cancer panels, without long-range PCR to confirm lack of pseudogene interference (Espenschied_2017, Goodenberger_2015, Mauer_2013, Roberts_2018, Li_2019). An in vitro functional study showed the variant to have proficient RNA expression and protein expression, with reduced viability leading authors to described the variant as moderately functional (Arora_2017). Another functional study demonstrated reduced mismatch repair capacity (MMR) as compared to wild-type (D'Arcy_2022). The following publications have been ascertained in the context of this evaluation (PMID: 28494185, 35189042, 28514183, 25856668, 31391288, 24113346, 29345684, 20205264, 23729388, 31992580). ClinVar contains an entry for this variant (Variation ID: 140847). Based on the evidence outlined above, the variant was classified as pathogenic.

Labcorp Genetics (formerly Invitae), Labcorp
Classification: Pathogenic for Hereditary nonpolyposis colorectal neoplasms. Last evaluated: 2025-12-09. Review status: criteria provided, single submitter. Criteria: Invitae Variant Classification Sherloc (09022015). Collection method: clinical testing. Allele origin: germline.
Comment: This sequence change replaces aspartic acid, which is acidic and polar, with histidine, which is basic and polar, at codon 699 of the PMS2 protein (p.Asp699His). The frequency data for this variant in the population databases (gnomAD) is considered unreliable due to the presence of homologous sequence, such as pseudogenes or paralogs, in the genome. This missense change has been observed in individuals with clinical features of Lynch syndrome or autosomal recessive constitutional mismatch repair deficiency (PMID: 20205264, 23012243, 23729388, 28514183; internal data). Invitae Evidence Modeling of clinical and family history, age, sex, and reported ancestry of multiple individuals with this PMS2 variant has been performed. This variant is expected to be pathogenic with a positive predictive value of at least 99%. This is a validated machine learning model that incorporates the clinical features of 1,627,235 individuals referred to our laboratory for PMS2 testing. ClinVar contains an entry for this variant (Variation ID: 140847). Invitae Evidence Modeling incorporating data from in vitro experimental studies (internal data) indicates that this missense variant is expected to disrupt PMS2 function with a positive predictive value of 95%. Experimental studies are conflicting or provide insufficient evidence to determine the effect of this variant on PMS2 function (PMID: 28494185). For these reasons, this variant has been classified as Pathogenic.

Ambry Genetics
Classification: Pathogenic for Hereditary cancer-predisposing syndrome. Last evaluated: 2024-08-28. Review status: criteria provided, single submitter. Criteria: Ambry Variant Classification Scheme 2023. Collection method: clinical testing. Allele origin: germline.
Comment: The c.2095G>C (p.D699H) alteration is located in coding exon 12 of the PMS2 gene. This alteration results from a G to C substitution at nucleotide position 2095, causing the aspartic acid (D) at amino acid position 699 to be replaced by a histidine (H). This variant was not reported in population-based cohorts in the Genome Aggregation Database (gnomAD). This alteration was identified in several individuals whose family history met Amsterdam criteria (Ambry internal data). This variant has also been identified in patients with Lynch syndrome-associated tumors and microsatellite instability and/or isolated loss of PMS2 expression by immunohistochemistry (IHC) (Bouras, 2024; Ambry internal data). This alteration was also reported homozygous in a child with features suggestive of constitutional mismatch repair deficiency (CMMR-D); however, no tumor testing was performed (Walter, 2013). This amino acid position is highly conserved in available vertebrate species. Based on internal structural analysis, this variant sits at the interface between PMS2/MutLa and is anticipated to result in a significant decrease in structural stability (Gueneau, 2013). In vitro studies have shown that the p.D699H variant exhibits expression levels similar to wildtype; however, protein function was reduced (Arora, 2017). In another functional study, this variant showed reduced mismatch repair activity compared to wild type PMS2 (D'Arcy, 2022). This alteration is predicted to be deleterious by in silico analysis. Based on the available evidence, this alteration is classified as pathogenic.

Quest Diagnostics Nichols Institute San Juan Capistrano
Classification: Likely pathogenic. Last evaluated: 2024-06-17. Review status: criteria provided, single submitter. Criteria: Quest Diagnostics criteria. Collection method: clinical testing. Allele origin: unknown.
Comment: The PMS2 c.2095G>C (p.Asp699His) variant has been reported in the published literature in individuals with Lynch syndrome (PMIDs: 34357101 (2021), 31992580 (2020)), unspecified Lynch syndrome-associated tumors (PMIDs: 31391288 (2020), 23012243 (2013), 20205264 (2010)), colorectal cancer (PMID: 29345684 (2018), breast cancer (PMID: 24113346 (2014)), and osteosarcoma (PMID: 32191290 (2020)). This variant in the homozygous state has also been reported in an individual with constitutional mismatch repair deficiency (CMMRD) syndrome (PMID: 23729388 (2013)). Experimental studies indicate this variant is either moderately functional (PMID: 28494185 (2017)), or has a deleteriously effect on DNA mismatch repair activity (PMID: 35189042 (2022)). This variant has not been reported in large, multi-ethnic general populations (Genome Aggregation Database). Analysis of this variant using bioinformatics tools for the prediction of the effect of amino acid changes on protein structure and function yielded predictions that this variant is damaging. Based on the available information, this variant is classified as likely pathogenic.

Blueprint Genetics
Classification: Likely pathogenic for PMS2-related disorders. Last evaluated: 2024-03-21. Review status: criteria provided, single submitter. Criteria: ACMG Guidelines, 2015. Collection method: clinical testing. Allele origin: germline. Affected: yes. Observed: 4 variant alleles.

Baylor Genetics
Classification: Pathogenic for Lynch syndrome 4. Last evaluated: 2023-12-14. Review status: criteria provided, single submitter. Criteria: ACMG Guidelines, 2015. Collection method: clinical testing. Allele origin: unknown.

Myriad Genetics, Inc.
Classification: Likely pathogenic for Lynch syndrome 4. Last evaluated: 2023-11-06. Review status: criteria provided, single submitter. Criteria: Myriad Autosomal Dominant, Autosomal Recessive and X-Linked Classification Criteria (2023). Collection method: clinical testing. Allele origin: unknown.
Comment: This variant is considered likely pathogenic. Functional studies indicate this variant impacts protein function [PMID: 35189042, 16873062, 18619468]. This variant is expected to disrupt protein structure [Myriad internal data]. This variant has been observed homozygous in one or more individuals with Constitutional Mismatch Repair Deficiency Syndrome (CMMRD) [PMID: 23729388].